The following is an entry in ClinVar:

NM_031935.3(HMCN1):c.1319C>T (p.Pro440Leu)

Gene: HMCN1 (hemicentin 1; plus strand). Cytogenetic location: 1q31.1.
Variant type: single nucleotide variant.
Coding change: c.1319C>T on transcript NM_031935.3 (MANE Select); coding-DNA position 1319, C replaced by T.
Protein change: p.Pro440Leu; replaces proline 440 with leucine.
Molecular consequence: missense variant.
Genome position (GRCh38, 1-based): chr1:185,925,080, C>T. VCF-style: chr1-185925080-C-T. GRCh37 (hg19) VCF-style: chr1-185894212-C-T.
Other names: short protein forms P440L.
Identifiers: ClinVar variation 3672334 (VCV003672334.2).
Genomic context (GRCh38, chr1:185,925,080, plus strand): 5'-TGTTTTTGTTTTTGTTTTTTTTCCTAGATGCTCCCAAAGTTACGATGCCTGAGAAAACCC[C>T]AGGATACTATCTGCAGCCGGGCCAAATTCCCTGCTCTGTTGACAGTCTTTTGCCCTTTAC-3'
Protein context (NP_114141.2, residues 430-450): APKVTMPEKT[Pro440Leu]GYYLQPGQIP

ClinVar aggregate classification (germline): Uncertain significance (1 of 4 stars; one submission).

Submission:

Labcorp Genetics (formerly Invitae), Labcorp
Classification: Uncertain significance. Last evaluated: 2024-07-01. Review status: criteria provided, single submitter. Criteria: Invitae Variant Classification Sherloc (09022015). Collection method: clinical testing. Allele origin: germline.
Comment: This sequence change replaces proline, which is neutral and non-polar, with leucine, which is neutral and non-polar, at codon 440 of the HMCN1 protein (p.Pro440Leu). This variant is not present in population databases (gnomAD no frequency). This variant has not been reported in the literature in individuals affected with HMCN1-related conditions. Algorithms developed to predict the effect of missense changes on protein structure and function output the following: SIFT: "Not Available"; PolyPhen-2: "Benign"; Align-GVGD: "Not Available". The leucine amino acid residue is found in multiple mammalian species, which suggests that this missense change does not adversely affect protein function. In summary, the available evidence is currently insufficient to determine the role of this variant in disease. Therefore, it has been classified as a Variant of Uncertain Significance.